The following is an entry in ClinVar:

NM_020971.3(SPTBN4):c.1149dup (p.Asn384fs)

Gene: SPTBN4 (spectrin beta, non-erythrocytic 4; plus strand). Cytogenetic location: 19q13.2.
Variant type: Duplication.
Coding change: c.1149dup on transcript NM_020971.3 (MANE Select); coding-DNA position 1149, one base duplicated (C; older notation c.1149dupC).
Protein change: p.Asn384fs; shifts the reading frame from asparagine 384.
Molecular consequence: frameshift variant.
Genome position (GRCh38, 1-based): chr19:40,502,453, C duplicated. VCF-style (leftmost placement, unchanged base first): chr19-40502452-G-GC. GRCh37 (hg19) VCF-style: chr19-41008359-G-GC.
Other names: short protein forms N384fs.
Identifiers: ClinVar variation 987746 (VCV000987746.1), dbSNP rs2080274080, ClinGen allele CA1139666456.

ClinVar aggregate classification (germline): Pathogenic (1 of 4 stars; one submission).

Conditions:
Neurodevelopmental disorder with hypotonia, neuropathy, and deafness (NEDHND). Also called: Myopathy, congenital, with neuropathy and deafness; SPTBN4 Disorder. Identifiers: MedGen C4479603, MONDO:0060496, OMIM 617519.

Submission:

Charité Universitätsmedizin Berlin, Charite Universitaetsmedizin Berlin
Classification: Pathogenic for Neurodevelopmental disorder with hypotonia, neuropathy, and deafness. Last evaluated: 2020-07-01. Review status: criteria provided, single submitter. Criteria: ACMG Guidelines, 2015. Collection method: clinical testing. Allele origin: maternal. Inheritance: Autosomal recessive inheritance. Affected: yes.
Comment: According to the Standards and Guidelines for the Interpretation of Sequence Variants developed by the American College of Medical Genetics and Genomics the evidence of pathogenicity of the c.1149dup, p.(Asn384Glnfs*17) variant is very strong because null variants are a known mechanism of pathogenicity consistent with the established inheritance pattern for the disease.